The following is an entry in ClinVar:

ClinVar aggregate classification (germline): Conflicting classifications of pathogenicity. Review status: criteria provided, conflicting classifications (1 of 4 stars). 11 submissions from 11 submitters: Uncertain significance (7); Likely benign (1). 3 of the submissions do not count toward it. Last evaluated 2024-10-31.

Conditions:
Inborn genetic diseases. Identifiers: MedGen C0950123, MeSH D030342.
Congenital lactic acidosis, Saguenay-Lac-Saint-Jean type (MC4DN5). Also called: MITOCHONDRIAL COMPLEX IV DEFICIENCY, NUCLEAR TYPE 5; CYTOCHROME c OXIDASE DEFICIENCY, FRENCH CANADIAN TYPE; COX DEFICIENCY, FRENCH CANADIAN TYPE. Identifiers: Orphanet 70472, MedGen C1857355, MONDO:0009069, OMIM 220111.

Allele frequency attached by ClinVar (database versions not stated): 1000 Genomes Project 30x 0.00016; 1000 Genomes Project 0.00020; ExAC 0.00053; gnomAD 0.00057 and 0.00058; ESP Exome Variant Server 0.00062; gnomAD exomes 0.00069; TOPMed 0.00084.
gnomAD v4.1: 1,212 of 1,612,744 alleles (0.075%); highest among the groups gnomAD compares: Non-Finnish European, 0.087%; 1 homozygote.

Submissions (17):

Blueprint Genetics
Classification: Uncertain significance. Last evaluated: 2024-10-31. Review status: criteria provided, single submitter. Criteria: ACMG Guidelines, 2015. Collection method: clinical testing. Allele origin: germline.

CeGaT Center for Human Genetics Tuebingen
Classification: Uncertain significance. Last evaluated: 2022-11-01. Review status: criteria provided, single submitter. Criteria: CeGaT Center For Human Genetics Tuebingen Variant Classification Criteria Version 2. Collection method: clinical testing. Allele origin: germline. Affected: yes. Observed: 2 variant alleles.

Labcorp Genetics (formerly Invitae), Labcorp
Classification: Uncertain significance. Last evaluated: 2022-08-20. Review status: criteria provided, single submitter. Criteria: Invitae Variant Classification Sherloc (09022015). Collection method: clinical testing. Allele origin: germline.
Comment: This sequence change replaces isoleucine, which is neutral and non-polar, with leucine, which is neutral and non-polar, at codon 560 of the LRPPRC protein (p.Ile560Leu). This variant is present in population databases (rs144826521, gnomAD 0.1%), and has an allele count higher than expected for a pathogenic variant. This missense change has been observed in individual(s) with clinical features of Leigh syndrome (PMID: 34440436). ClinVar contains an entry for this variant (Variation ID: 214587). Algorithms developed to predict the effect of missense changes on protein structure and function are either unavailable or do not agree on the potential impact of this missense change (SIFT: "Tolerated"; PolyPhen-2: "Possibly Damaging"; Align-GVGD: "Class C0"). In summary, the available evidence is currently insufficient to determine the role of this variant in disease. Therefore, it has been classified as a Variant of Uncertain Significance.

Fulgent Genetics
Classification: Uncertain significance for Congenital lactic acidosis, Saguenay-Lac-Saint-Jean type. Last evaluated: 2022-03-01. Review status: criteria provided, single submitter. Criteria: ACMG Guidelines, 2015. Collection method: clinical testing. Allele origin: unknown.

Department of Pathology and Laboratory Medicine, Sinai Health System
Classification: Uncertain significance for Congenital lactic acidosis, Saguenay-Lac-Saint-Jean type. Last evaluated: 2021-11-17. Review status: criteria provided, single submitter. Criteria: ACMG Guidelines, 2015. Collection method: research. Allele origin: germline.

Ambry Genetics
Classification: Likely benign for Inborn genetic diseases. Last evaluated: 2021-03-25. Review status: criteria provided, single submitter. Criteria: Ambry Variant Classification Scheme 2023. Collection method: clinical testing. Allele origin: germline.

Eurofins Ntd Llc (ga)
Classification: Uncertain significance. Last evaluated: 2017-09-15. Review status: criteria provided, single submitter. Criteria: EGL Classification Definitions 2015. Collection method: clinical testing. Allele origin: germline. Observed: 1 variant allele, 1 heterozygote.

Breakthrough Genomics
Classification: Uncertain significance. Review status: criteria provided, single submitter. Criteria: ACMG Guidelines, 2015. Collection method: not provided. Allele origin: germline. Inheritance: Autosomal recessive inheritance. Affected: yes.

Natera, Inc.
Classification: Uncertain significance for French-Canadian type Leigh syndrome. Last evaluated: 2020-01-16. Review status: no assertion criteria provided. Collection method: clinical testing. Allele origin: germline. Not counted in ClinVar's aggregate classification.

Clinical Genetics DNA and cytogenetics Diagnostics Lab, Erasmus MC, Erasmus Medical Center
Classification: Likely benign. Review status: no assertion criteria provided. Collection method: clinical testing. Allele origin: germline. Affected: yes. Study: VKGL Data-share Consensus. Not counted in ClinVar's aggregate classification.

Diagnostic Laboratory, Department of Genetics, University Medical Center Groningen
Classification: Likely benign. Review status: no assertion criteria provided. Collection method: clinical testing. Allele origin: germline. Affected: yes. Study: VKGL Data-share Consensus. Not counted in ClinVar's aggregate classification.

Dr. Peter K. Rogan Lab, Western University
No classification provided (evidence only). Condition: Melanoma. Review status: no classification provided. Collection method: in vitro. Allele origin: not applicable. Functional consequence: retained intron. Not counted in ClinVar's aggregate classification.

Dr. Peter K. Rogan Lab, Western University
No classification provided (evidence only). Condition: Acute myeloid leukemia. Review status: no classification provided. Collection method: in vitro. Allele origin: not applicable. Functional consequence: retained intron. Not counted in ClinVar's aggregate classification.

Dr. Peter K. Rogan Lab, Western University
No classification provided (evidence only). Condition: Colorectal cancer. Review status: no classification provided. Collection method: in vitro. Allele origin: not applicable. Functional consequence: retained intron. Not counted in ClinVar's aggregate classification.

Dr. Peter K. Rogan Lab, Western University
No classification provided (evidence only). Condition: Malignant tumor of esophagus. Review status: no classification provided. Collection method: in vitro. Allele origin: not applicable. Functional consequence: retained intron. Not counted in ClinVar's aggregate classification.

Dr. Peter K. Rogan Lab, Western University
No classification provided (evidence only). Condition: Familial pancreatic carcinoma. Review status: no classification provided. Collection method: in vitro. Allele origin: not applicable. Functional consequence: retained intron. Not counted in ClinVar's aggregate classification.

Dr. Peter K. Rogan Lab, Western University
No classification provided (evidence only). Condition: Ovarian cancer. Review status: no classification provided. Collection method: in vitro. Allele origin: not applicable. Functional consequence: retained intron. Not counted in ClinVar's aggregate classification.

Literature cited by the submitters: PubMed 34440436 (cited by Labcorp Genetics (formerly Invitae), Labcorp).

NM_133259.4(LRPPRC):c.1678A>T (p.Ile560Leu)

Gene: LRPPRC (leucine rich pentatricopeptide repeat containing; minus strand). Cytogenetic location: 2p21.
Variant type: single nucleotide variant.
Coding change: c.1678A>T on transcript NM_133259.4 (MANE Select); coding-DNA position 1678, A replaced by T.
Protein change: p.Ile560Leu; replaces isoleucine 560 with leucine.
Molecular consequence: missense variant.
Genome position (GRCh38, 1-based): chr2:43,949,659, T>A on the plus strand (A>T on the coding strand, the complement: LRPPRC is on the minus strand). VCF-style: chr2-43949659-T-A. GRCh37 (hg19) VCF-style: chr2-44176798-T-A.
Other names: short protein forms I560L.
Identifiers: ClinVar variation 214587 (VCV000214587.62), dbSNP rs144826521, ClinGen allele CA322360.